The following is an entry in ClinVar:

ClinVar aggregate classification (germline): Uncertain significance. Review status: criteria provided, multiple submitters, no conflicts (2 of 4 stars). 2 submissions from 2 submitters: Uncertain significance (2). Last evaluated 2024-12-18.

Conditions:
TTC7A-related disorder. Also called: TTC7A-related condition.
Multiple gastrointestinal atresias. Also called: Multiple intestinal atresia; FAMILIAL INTESTINAL POLYATRESIA SYNDROME. Identifiers: Orphanet 2300, MedGen C0220744, MONDO:0009465.

Allele frequency attached by ClinVar (database versions not stated): ExAC 0.00001; gnomAD exomes 0.00002 and 0.00005; gnomAD 0.00006 and 0.00009; TOPMed 0.00008.
gnomAD v4.1: 92 of 1,613,972 alleles (0.0057%); highest among the groups gnomAD compares: Non-Finnish European, 0.0066%; no homozygotes.

Submissions (2):

PreventionGenetics, part of Exact Sciences
Classification: Uncertain significance for TTC7A-related condition. Last evaluated: 2024-12-18. Review status: criteria provided, single submitter. Criteria: ACMG Guidelines, 2015. Collection method: clinical testing. Allele origin: germline.
Comment: The TTC7A c.1705C>T variant is predicted to result in the amino acid substitution p.Leu569Phe. To our knowledge, this variant has not been reported in the literature. This variant is reported in 0.0035% of alleles in individuals of European (Non-Finnish) descent in gnomAD. At this time, the clinical significance of this variant is uncertain due to the absence of conclusive functional and genetic evidence.

Labcorp Genetics (formerly Invitae), Labcorp
Classification: Uncertain significance for Multiple gastrointestinal atresias. Last evaluated: 2022-06-20. Review status: criteria provided, single submitter. Criteria: Invitae Variant Classification Sherloc (09022015). Collection method: clinical testing. Allele origin: germline.
Comment: This sequence change replaces leucine, which is neutral and non-polar, with phenylalanine, which is neutral and non-polar, at codon 569 of the TTC7A protein (p.Leu569Phe). This variant is present in population databases (rs772552000, gnomAD 0.004%). This variant has not been reported in the literature in individuals affected with TTC7A-related conditions. ClinVar contains an entry for this variant (Variation ID: 1017003). Algorithms developed to predict the effect of missense changes on protein structure and function are either unavailable or do not agree on the potential impact of this missense change (SIFT: "Deleterious"; PolyPhen-2: "Probably Damaging"; Align-GVGD: "Class C0"). In summary, the available evidence is currently insufficient to determine the role of this variant in disease. Therefore, it has been classified as a Variant of Uncertain Significance.

NM_020458.4(TTC7A):c.1705C>T (p.Leu569Phe)

Gene: TTC7A (tetratricopeptide repeat domain 7A; plus strand). Cytogenetic location: 2p21.
Variant type: single nucleotide variant.
Coding change: c.1705C>T on transcript NM_020458.4 (MANE Select); coding-DNA position 1705, C replaced by T.
Protein change: p.Leu569Phe; replaces leucine 569 with phenylalanine.
Molecular consequence: missense variant.
Genome position (GRCh38, 1-based): chr2:47,029,287, C>T. VCF-style: chr2-47029287-C-T. GRCh37 (hg19) VCF-style: chr2-47256426-C-T.
Other names: c.1705C>T (NM_020458.3); c.643C>T, p.Leu215Phe (NM_001288955.2); c.1705C>T, p.Leu569Phe (NM_001288951.2); c.1603C>T, p.Leu535Phe (NM_001288953.2); short protein forms L215F, L535F, L569F.
Identifiers: ClinVar variation 1017003 (VCV001017003.7), dbSNP rs772552000, ClinGen allele CA1647830.
Genomic context (GRCh38, chr2:47,029,287, plus strand): 5'-TCCAGTGCCATGGAGCAGCTGCAGGAGGCCCTGAAGGTACGCAAGGATGATGCCCACGCC[C>T]TCCACCTGCTGGCACTGCTCTTCTCTGCCCAGAAGCACCACCAGCATGCCCTGGATGTTG-3'
Protein context (NP_065191.2, residues 559-579): LKVRKDDAHA[Leu569Phe]HLLALLFSAQ